The following is an entry in ClinVar:

ClinVar aggregate classification (germline): Benign/Likely benign. Review status: criteria provided, multiple submitters, no conflicts (2 of 4 stars). 10 submissions from 10 submitters: Benign (5); Likely benign (3). 2 of the submissions do not count toward it. Last evaluated 2026-02-04.

Conditions:
Immunodeficiency 27A (IMD27A). Also called: IMMUNODEFICIENCY 27A, MYCOBACTERIOSIS, AUTOSOMAL RECESSIVE; IFNGR1 DEFICIENCY, AUTOSOMAL RECESSIVE. Identifiers: Orphanet 319569, Orphanet 99898, MedGen C4011949, MONDO:0008856, OMIM 209950.
Mendelian susceptibility to mycobacterial diseases due to complete IL12RB1 deficiency. Also called: IL12RB1 DEFICIENCY; Immunodeficiency 30. Identifiers: Orphanet 319552, MedGen C4013949, MONDO:0013955, OMIM 614891.

Allele frequency attached by ClinVar (database versions not stated): 1000 Genomes Project 30x 0.22377; 1000 Genomes Project 0.22943; TOPMed 0.23844; gnomAD 0.25155 and 0.25416; ESP Exome Variant Server 0.25319; ExAC 0.27713; gnomAD exomes 0.27718 and 0.30614.
gnomAD v4.1: 485,000 of 1,611,352 alleles (30%); highest among the groups gnomAD compares: East Asian, 38%; 75,833 homozygotes.

Submissions (10):

Labcorp Genetics (formerly Invitae), Labcorp
Classification: Benign for Mendelian susceptibility to mycobacterial diseases due to complete IL12RB1 deficiency. Last evaluated: 2026-02-04. Review status: criteria provided, single submitter. Criteria: Invitae Variant Classification Sherloc (09022015). Collection method: clinical testing. Allele origin: germline.

Blueprint Genetics
Classification: Likely benign. Last evaluated: 2024-11-28. Review status: criteria provided, single submitter. Criteria: ACMG Guidelines, 2015. Collection method: clinical testing. Allele origin: germline.

Unidad de Genómica Garrahan, Hospital de Pediatría Garrahan
Classification: Benign. Last evaluated: 2024-01-24. Review status: criteria provided, single submitter. Criteria: ACMG Guidelines, 2015. Collection method: clinical testing. Allele origin: germline. Affected: no. Observed: 31 variant alleles.
Comment: This variant is classified as Benign based on local population frequency. This variant was detected in 35% of patients studied by a panel of primary immunodeficiencies. Number of patients: 31. Only high quality variants are reported.

Genome-Nilou Lab
Classification: Benign for Mendelian susceptibility to mycobacterial diseases due to complete IL12RB1 deficiency. Last evaluated: 2021-08-19. Review status: criteria provided, single submitter. Criteria: ACMG Guidelines, 2015. Collection method: clinical testing. Allele origin: germline. Affected: no.

Illumina Laboratory Services, Illumina
Classification: Benign for Mendelian susceptibility to mycobacterial diseases due to complete IL12RB1 deficiency. Last evaluated: 2018-03-06. Review status: criteria provided, single submitter. Criteria: ICSL Variant Classification Criteria 13 December 2019. Collection method: clinical testing. Allele origin: germline.
Comment: This variant was observed in the ICSL laboratory as part of a predisposition screen in an ostensibly healthy population. It had not been previously curated by ICSL or reported in the Human Gene Mutation Database (HGMD: prior to June 1st, 2018), and was therefore a candidate for classification through an automated scoring system. Utilizing variant allele frequency, disease prevalence and penetrance estimates, and inheritance mode, an automated score was calculated to assess if this variant is too frequent to cause the disease. Based on the score and internal cut-off values, a variant classified as benign is not then subjected to further curation. The score for this variant resulted in a classification of benign for this disease.

Laboratory for Molecular Medicine, Mass General Brigham Personalized Medicine
Classification: Benign. Last evaluated: 2016-03-29. Review status: criteria provided, single submitter. Criteria: LMM Criteria. Collection method: clinical testing. Allele origin: germline.
Comment: Variant identified in a genome or exome case(s) and assessed due to predicted null impact of the variant or pathogenic assertions in the literature or databases. Disclaimer: This variant has not undergone full assessment. The following are preliminary notes: Frequency, no convincing disease association

Genome Diagnostics Laboratory, University Medical Center Utrecht
Classification: Likely benign for Immunodeficiency 27A. Last evaluated: 2015-12-09. Review status: criteria provided, single submitter. Criteria: ACGS Guidelines, 2013. Collection method: clinical testing. Allele origin: germline. Affected: yes. Study: VKGL Data-share Consensus.

Breakthrough Genomics
Classification: Likely benign. Review status: criteria provided, single submitter. Criteria: ACMG Guidelines, 2015. Collection method: not provided. Allele origin: germline. Inheritance: Autosomal recessive inheritance. Affected: yes.

Diagnostic Laboratory, Department of Genetics, University Medical Center Groningen
Classification: Benign for Immunodeficiency 27A. Review status: no assertion criteria provided. Collection method: clinical testing. Allele origin: germline. Affected: yes. Study: VKGL Data-share Consensus. Not counted in ClinVar's aggregate classification.

Joint Genome Diagnostic Labs from Nijmegen and Maastricht, Radboudumc and MUMC+
Classification: Benign. Review status: no assertion criteria provided. Collection method: clinical testing. Allele origin: germline. Affected: yes. Study: VKGL Data-share Consensus. Not counted in ClinVar's aggregate classification.

NM_005535.3(IL12RB1):c.641A>G (p.Gln214Arg)

Gene: IL12RB1 (interleukin 12 receptor subunit beta 1; minus strand). Cytogenetic location: 19p13.11.
Variant type: single nucleotide variant.
Coding change: c.641A>G on transcript NM_005535.3 (MANE Select); coding-DNA position 641, A replaced by G.
Protein change: p.Gln214Arg; replaces glutamine 214 with arginine.
Molecular consequence: missense variant.
Genome position (GRCh38, 1-based): chr19:18,075,808, T>C on the plus strand (A>G on the coding strand, the complement: IL12RB1 is on the minus strand). VCF-style: chr19-18075808-T-C. GRCh37 (hg19) VCF-style: chr19-18186618-T-C.
Other names: c.641A>G, p.Gln214Arg (NM_001290023.2, NM_153701.3); c.761A>G, p.Gln254Arg (NM_001290024.2); short protein forms Q214R, Q254R.
Identifiers: ClinVar variation 328597 (VCV000328597.25), dbSNP rs11575934, ClinGen allele CA9305128.
Genomic context (GRCh38, chr19:18,075,808, plus strand): 5'-CCAGGGGGAACGCACACGGGGCTGCTCCACTTGCTCCAGGAACTTCCTTGGCTCCCCAGC[T>C]GCCGTCGTCGGAGCTGGAATTCCTGGGCCACATTCATCTCCAGGGGGCAGAGGCAGGACT-3'
Protein context (NP_005526.1, residues 204-224): VAQEFQLRRR[Gln214Arg]LGSQGSSWSK